The following is an entry in ClinVar:

NM_133433.4(NIPBL):c.1370A>G (p.Gln457Arg)

Gene: NIPBL (NIPBL cohesin loading factor; plus strand). Cytogenetic location: 5p13.2.
Variant type: single nucleotide variant.
Coding change: c.1370A>G on transcript NM_133433.4 (MANE Select); coding-DNA position 1370, A replaced by G.
Protein change: p.Gln457Arg; replaces glutamine 457 with arginine.
Molecular consequence: missense variant.
Genome position (GRCh38, 1-based): chr5:36,976,277, A>G. VCF-style: chr5-36976277-A-G. GRCh37 (hg19) VCF-style: chr5-36976379-A-G.
Other names: c.1370A>G (NM_133433.3); c.1370A>G, p.Gln457Arg (NM_015384.5); short protein forms Q457R.
Identifiers: ClinVar variation 3667255 (VCV003667255.3).

ClinVar aggregate classification (germline): Uncertain significance. Review status: criteria provided, multiple submitters, no conflicts (2 of 4 stars). 2 submissions from 2 submitters: Uncertain significance (2). Last evaluated 2025-05-16.

Conditions:
Cornelia de Lange syndrome 1 (CDLS1). Also called: TYPUS DEGENERATIVUS AMSTELODAMENSIS; Brachmann de Lange syndrome; NIPBL-Related Cornelia de Lange Syndrome. Identifiers: Orphanet 199, MedGen C4551851, MONDO:0007387, OMIM 122470.
Inborn genetic diseases. Identifiers: MedGen C0950123, MeSH D030342.

gnomAD v4.1: 1 of 1,613,822 alleles (0.000062%); highest among the groups gnomAD compares: Admixed American, 0.0017%; no homozygotes.

Submissions (2):

Ambry Genetics
Classification: Uncertain significance for Inborn genetic diseases. Last evaluated: 2025-05-16. Review status: criteria provided, single submitter. Criteria: Ambry Variant Classification Scheme 2023. Collection method: clinical testing. Allele origin: germline.

Labcorp Genetics (formerly Invitae), Labcorp
Classification: Uncertain significance for Cornelia de Lange syndrome 1. Last evaluated: 2024-03-13. Review status: criteria provided, single submitter. Criteria: Invitae Variant Classification Sherloc (09022015). Collection method: clinical testing. Allele origin: germline.
Comment: This sequence change replaces glutamine, which is neutral and polar, with arginine, which is basic and polar, at codon 457 of the NIPBL protein (p.Gln457Arg). This variant is not present in population databases (gnomAD no frequency). This variant has not been reported in the literature in individuals affected with NIPBL-related conditions. Advanced modeling of protein sequence and biophysical properties (such as structural, functional, and spatial information, amino acid conservation, physicochemical variation, residue mobility, and thermodynamic stability) has been performed at Invitae for this missense variant, however the output from this modeling did not meet the statistical confidence thresholds required to predict the impact of this variant on NIPBL protein function. In summary, the available evidence is currently insufficient to determine the role of this variant in disease. Therefore, it has been classified as a Variant of Uncertain Significance.